The following is an entry in ClinVar:

ClinVar aggregate classification (germline): Uncertain significance. Review status: criteria provided, single submitter (1 of 4 stars). 2 submissions from 2 submitters: Uncertain significance (1). 1 of the submissions does not count toward it. Last evaluated 2024-09-11.

Conditions:
CDKL5 disorder. Identifiers: MedGen CN296942, MONDO:0100039.
Developmental and epileptic encephalopathy, 2 (DEE2). Also called: INFANTILE SPASM SYNDROME, X-LINKED 2; CDKL5 deficiency disorder. Identifiers: Orphanet 1934, Orphanet 3451, Orphanet 505652, MedGen C4750718, MONDO:0010396, OMIM 300672.

Allele frequency attached by ClinVar (database versions not stated): gnomAD exomes below 0.00001 and 0.00001.
gnomAD v4.1: 2 of 1,207,911 alleles (0.00017%); highest among the groups gnomAD compares: East Asian, 0.0059%; no homozygotes.

Submissions (2):

Centre for Population Genomics, CPG
Classification: Uncertain significance for CDKL5 disorder. Last evaluated: 2024-09-11. Review status: criteria provided, single submitter. Criteria: McKnight et al. (Hum Mutat. 2022). Collection method: curation. Allele origin: germline. Inheritance: X-linked inheritance.
Comment: This variant has been collected from RettBASE and curated to current modified ACMG/AMP criteria. Based on the classification scheme defined by the ClinGen Rett/Angelman-like Expert Panel for Rett/AS-like Disorders Specifications to the ACMG/AMP Variant Interpretation Guidelines VCEP 3.0, this variant is classified as a variant of uncertain significance. The allele frequency of this variant in one population in gnomAD is 0.006%, not meeting the criteria BS1.

RettBASE
Classification: Uncertain significance for Epileptic encephalopathy, early infantile, 2. Last evaluated: 2014-03-13. Review status: no assertion criteria provided. Collection method: curation. Allele origin: unknown. Affected: yes. Observed: 1 variant allele. Not counted in ClinVar's aggregate classification.
Comment: In silico prediction: SIFT = tolerated, MutationTaster = disease-causing, PolyPhen2 = probably damaging, AlignGVGD = benign (C0), no parental screening results

Literature cited by the submitters: PubMed 21770923 (cited by RettBASE).

NM_001323289.2(CDKL5):c.904C>T (p.Leu302Phe)

Gene: CDKL5 (cyclin dependent kinase like 5; plus strand). Cytogenetic location: Xp22.13.
Variant type: single nucleotide variant.
Coding change: c.904C>T on transcript NM_001323289.2 (MANE Select); coding-DNA position 904, C replaced by T.
Protein change: p.Leu302Phe; replaces leucine 302 with phenylalanine.
Molecular consequence: missense variant.
Genome position (GRCh38, 1-based): chrX:18,598,540, C>T. VCF-style: chrX-18598540-C-T. GRCh37 (hg19) VCF-style: chrX-18616660-C-T.
Other names: NM_001323289.2(CDKL5):c.904C>T; p.Leu302Phe; c.904C>T, p.Leu302Phe (NM_001037343.2, NM_003159.3); short protein forms L302F.
Identifiers: ClinVar variation 143839 (VCV000143839.4), dbSNP rs267608547, ClinGen allele CA170508.